The following is an entry in ClinVar:

NM_001252024.2(TRPM1):c.2515G>A (p.Gly839Arg)

Gene: TRPM1 (transient receptor potential cation channel subfamily M member 1; minus strand). Cytogenetic location: 15q13.3.
Variant type: single nucleotide variant.
Coding change: c.2515G>A on transcript NM_001252024.2 (MANE Select); coding-DNA position 2515, G replaced by A.
Protein change: p.Gly839Arg; replaces glycine 839 with arginine.
Molecular consequence: missense variant.
Genome position (GRCh38, 1-based): chr15:31,037,767, C>T on the plus strand (G>A on the coding strand, the complement: TRPM1 is on the minus strand). VCF-style: chr15-31037767-C-T. GRCh37 (hg19) VCF-style: chr15-31329970-C-T.
Other names: c.2449G>A (NM_002420.4); c.2566G>A, p.Gly856Arg (NM_001252020.2); c.2449G>A, p.Gly817Arg (NM_002420.6); c.2566G>A (NM_001252020.1); short protein forms G817R, G839R, G856R.
Identifiers: ClinVar variation 999222 (VCV000999222.10), dbSNP rs766173103, ClinGen allele CA7452173.

ClinVar aggregate classification (germline): Uncertain significance. Review status: criteria provided, multiple submitters, no conflicts (2 of 4 stars). 4 submissions from 4 submitters: Uncertain significance (4). Last evaluated 2026-07-23.

Conditions:
Inborn genetic diseases. Identifiers: MedGen C0950123, MeSH D030342.
TRPM1-related disorder. Also called: TRPM1-related condition.

Allele frequency attached by ClinVar (database versions not stated): TOPMed 0.00002; ExAC 0.00001; gnomAD 0.00001; gnomAD exomes 0.00001.
gnomAD v4.1: 17 of 1,614,046 alleles (0.0011%); highest among the groups gnomAD compares: South Asian, 0.0022%; no homozygotes.

Submissions (4):

PreventionGenetics, part of Exact Sciences
Classification: Uncertain significance for TRPM1-related condition. Last evaluated: 2026-07-23. Review status: criteria provided, single submitter. Criteria: ACMG Guidelines, 2015. Collection method: clinical testing. Allele origin: germline.
Comment: The TRPM1 c.2566G>A variant is predicted to result in the amino acid substitution p.Gly856Arg. To our knowledge, this variant has not been reported in the literature. This variant is present in 0.0033% of alleles in individuals of South Asian descent in gnomAD. At this time, the clinical significance of this variant is uncertain due to the absence of conclusive functional and genetic evidence.

Ambry Genetics
Classification: Uncertain significance for Inborn genetic diseases. Last evaluated: 2022-09-06. Review status: criteria provided, single submitter. Criteria: Ambry Variant Classification Scheme 2023. Collection method: clinical testing. Allele origin: germline.

Blueprint Genetics
Classification: Uncertain significance. Last evaluated: 2022-03-24. Review status: criteria provided, single submitter. Criteria: ACMG Guidelines, 2015. Collection method: clinical testing. Allele origin: germline.

Labcorp Genetics (formerly Invitae), Labcorp
Classification: Uncertain significance. Last evaluated: 2021-12-24. Review status: criteria provided, single submitter. Criteria: Invitae Variant Classification Sherloc (09022015). Collection method: clinical testing. Allele origin: germline.
Comment: In summary, the available evidence is currently insufficient to determine the role of this variant in disease. Therefore, it has been classified as a Variant of Uncertain Significance. Algorithms developed to predict the effect of missense changes on protein structure and function (SIFT, PolyPhen-2, Align-GVGD) all suggest that this variant is likely to be tolerated. ClinVar contains an entry for this variant (Variation ID: 999222). This variant has not been reported in the literature in individuals affected with TRPM1-related conditions. This variant is present in population databases (rs766173103, gnomAD 0.003%). This sequence change replaces glycine, which is neutral and non-polar, with arginine, which is basic and polar, at codon 817 of the TRPM1 protein (p.Gly817Arg).